The following is an entry in ClinVar:

ClinVar aggregate classification (germline): Uncertain significance (1 of 4 stars; one submission).

Conditions:
Hereditary cancer-predisposing syndrome. Also called: Neoplastic Syndromes, Hereditary; Tumor predisposition; Hereditary neoplastic syndrome; Hereditary Cancer Syndrome. Identifiers: Orphanet 140162, MedGen C0027672, MeSH D009386, MONDO:0015356.

Submission:

Ambry Genetics
Classification: Uncertain significance for Hereditary cancer-predisposing syndrome. Last evaluated: 2015-06-19. Review status: criteria provided, single submitter. Criteria: Ambry Variant Classification Scheme 2023. Collection method: clinical testing. Allele origin: germline.
Comment: The c.2639-389T>C intronic alteration consists of a T to C substitution 389 nucleotides before coding exon 17 in the ATM gene. Based on insufficient or conflicting evidence, the clinical significance of this alteration remains unclear.

NM_000051.4(ATM):c.2639-389T>C

Gene: ATM (ATM serine/threonine kinase; plus strand). Cytogenetic location: 11q22.3.
Variant type: single nucleotide variant.
Coding change: c.2639-389T>C on transcript NM_000051.4 (MANE Select); 389 bases into the intron before coding-DNA position 2639, T replaced by C.
Molecular consequence: intron variant.
Genome position (GRCh38, 1-based): chr11:108,268,021, T>C. VCF-style: chr11-108268021-T-C. GRCh37 (hg19) VCF-style: chr11-108138748-T-C.
Other names: c.2639-389T>C (NM_001351834.2).
Identifiers: ClinVar variation 3076129 (VCV003076129.1), dbSNP rs2497619950, ClinGen allele CA2793552524.